The following is an entry in ClinVar:

NM_000179.3(MSH6):c.649G>C (p.Asp217His)

Gene: MSH6 (mutS homolog 6; plus strand). Cytogenetic location: 2p16.3.
Variant type: single nucleotide variant.
Coding change: c.649G>C on transcript NM_000179.3 (MANE Select); coding-DNA position 649, G replaced by C.
Protein change: p.Asp217His; replaces aspartic acid 217 with histidine.
Molecular consequence: missense variant. On other transcripts: 5 prime UTR variant (2).
Genome position (GRCh38, 1-based): chr2:47,798,632, G>C. VCF-style: chr2-47798632-G-C. GRCh37 (hg19) VCF-style: chr2-48025771-G-C.
Other names: c.259G>C, p.Asp87His (NM_001281492.2); c.-258G>C (NM_001281493.2, NM_001281494.2); short protein forms D217H, D87H.
Identifiers: ClinVar variation 921389 (VCV000921389.12), dbSNP rs950036621, ClinGen allele CA346739294.

ClinVar aggregate classification (germline): Uncertain significance. Review status: criteria provided, multiple submitters, no conflicts (2 of 4 stars). 2 submissions from 2 submitters: Uncertain significance (2). Last evaluated 2025-03-24.

Conditions:
Hereditary nonpolyposis colorectal neoplasms. Identifiers: MedGen C0009405, MeSH D003123.
Hereditary cancer-predisposing syndrome. Also called: Neoplastic Syndromes, Hereditary; Tumor predisposition; Hereditary Cancer Syndrome; Hereditary neoplastic syndrome. Identifiers: Orphanet 140162, MedGen C0027672, MeSH D009386, MONDO:0015356.

Submissions (2):

Labcorp Genetics (formerly Invitae), Labcorp
Classification: Uncertain significance for Hereditary nonpolyposis colorectal neoplasms. Last evaluated: 2025-03-24. Review status: criteria provided, single submitter. Criteria: Invitae Variant Classification Sherloc (09022015). Collection method: clinical testing. Allele origin: germline.
Comment: This sequence change replaces aspartic acid, which is acidic and polar, with histidine, which is basic and polar, at codon 217 of the MSH6 protein (p.Asp217His). This variant is not present in population databases (gnomAD no frequency). This variant has not been reported in the literature in individuals affected with MSH6-related conditions. ClinVar contains an entry for this variant (Variation ID: 921389). Invitae Evidence Modeling of protein sequence and biophysical properties (such as structural, functional, and spatial information, amino acid conservation, physicochemical variation, residue mobility, and thermodynamic stability) indicates that this missense variant is not expected to disrupt MSH6 protein function with a negative predictive value of 95%. In summary, the available evidence is currently insufficient to determine the role of this variant in disease. Therefore, it has been classified as a Variant of Uncertain Significance.

Color Diagnostics, LLC DBA Color Health
Classification: Uncertain significance for Hereditary cancer-predisposing syndrome. Last evaluated: 2024-03-07. Review status: criteria provided, single submitter. Criteria: ACMG Guidelines, 2015. Collection method: clinical testing. Allele origin: germline.
Comment: This missense variant replaces aspartic acid with histidine at codon 217 of the MSH6 protein. Computational prediction tool suggests that this variant may not impact protein structure and function (internally defined REVEL score threshold <=0.5, PMID: 27666373). Splice site prediction tools suggest that this variant may not impact RNA splicing. To our knowledge, functional studies have not been performed for this variant. This variant has not been reported in individuals affected with hereditary cancer in the literature. This variant has not been identified in the general population by the Genome Aggregation Database (gnomAD). The available evidence is insufficient to determine the role of this variant in disease conclusively. Therefore, this variant is classified as a Variant of Uncertain Significance.